The following is an entry in ClinVar:

NM_001039591.3(USP9X):c.5627G>C (p.Ser1876Thr)

Gene: USP9X (ubiquitin specific peptidase 9 X-linked; plus strand). Cytogenetic location: Xp11.4.
Variant type: single nucleotide variant.
Coding change: c.5627G>C on transcript NM_001039591.3 (MANE Select); coding-DNA position 5627, G replaced by C.
Protein change: p.Ser1876Thr; replaces serine 1876 with threonine.
Molecular consequence: missense variant.
Genome position (GRCh38, 1-based): chrX:41,216,194, G>C. VCF-style: chrX-41216194-G-C. GRCh37 (hg19) VCF-style: chrX-41075447-G-C.
Other names: c.5627G>C, p.Ser1876Thr (NM_001039590.3); c.5642G>C, p.Ser1881Thr (NM_001410748.1, NM_001410749.1, NM_001437534.1); short protein forms S1876T, S1881T.
Identifiers: ClinVar variation 4686393 (VCV004686393.1).
Genomic context (GRCh38, chrX:41,216,194, plus strand): 5'-AGACAGCAGGAAGCACAAAATACAGACTTGTGGGTGTGCTCGTACACAGTGGTCAAGCGA[G>C]TGGGGGGCATTATTATTCTTACATCATCCAAAGGAATGGTGGAGATGGTGAGAGAAATCG-3'
Protein context (NP_001034680.2, residues 1866-1886): VGVLVHSGQA[Ser1876Thr]GGHYYSYIIQ

ClinVar aggregate classification (germline): Uncertain significance (1 of 4 stars; one submission).

Submission:

GeneDx
Classification: Uncertain significance. Last evaluated: 2025-07-13. Review status: criteria provided, single submitter. Criteria: GeneDx Variant Classification Process June 2021. Collection method: clinical testing. Allele origin: germline. Affected: yes.
Comment: Not observed at significant frequency in large population cohorts (gnomAD); In silico analysis suggests that this missense variant does not alter protein structure/function; Has not been previously published as pathogenic or benign to our knowledge